The following continues an entry in ClinVar:

NM_000402.4(G6PD):c.961G>A (p.Val321Met)

Gene: G6PD. ClinVar aggregate classification (germline): Pathogenic/Likely pathogenic. Pathogenic (29); Likely pathogenic (3).

Submissions 21 to 36 of 36:

Clinical Genetics Laboratory, Skane University Hospital Lund
Classification: Pathogenic. Last evaluated: 2022-05-27. Review status: criteria provided, single submitter. Criteria: ACMG Guidelines, 2015. Collection method: clinical testing. Allele origin: germline. Affected: yes.

Mendelics
Classification: Pathogenic for Anemia, nonspherocytic hemolytic, due to G6PD deficiency. Last evaluated: 2022-05-04. Review status: criteria provided, single submitter. Criteria: Mendelics Assertion Criteria 2019. Collection method: clinical testing. Allele origin: germline.

MGZ Medical Genetics Center
Classification: Pathogenic for Anemia, nonspherocytic hemolytic, due to G6PD deficiency. Last evaluated: 2022-01-10. Review status: criteria provided, single submitter. Criteria: ACMG Guidelines, 2015. Collection method: clinical testing. Allele origin: germline. Affected: yes. Observed: 3 variant alleles.
Comment: ACMG criteria applied: PS3, PS4, PM3, PM2_SUP, PP1, PP3

Fulgent Genetics
Classification: Pathogenic for Anemia, nonspherocytic hemolytic, due to G6PD deficiency; Malaria, susceptibility to. Last evaluated: 2021-10-20. Review status: criteria provided, single submitter. Criteria: ACMG Guidelines, 2015. Collection method: clinical testing. Allele origin: unknown.

Laboratory for Molecular Medicine, Mass General Brigham Personalized Medicine
Classification: Likely pathogenic for Anemia, nonspherocytic hemolytic, due to G6PD deficiency. Last evaluated: 2017-06-19. Review status: criteria provided, single submitter. Criteria: LMM Criteria. Collection method: clinical testing. Allele origin: germline. Inheritance: X-linked inheritance. Observed: 2 variant alleles.
Comment: The p.Val321Met (NM_000402.3 c.961G>A) (also referred to as c.871G>A, p.Val291Me t on NM_001042351, G6PD Viangchan and G6PD Jammu) variant in G6PD is one of the most common variants associated with Glucose-6-phosphate dehydrogenase (G6PD) de ficiency in the Asian population and has been reported in several males (hemizyg ous) and females (heterozygous, compound heterozygous, and homozygous) with G6PD deficiency (Beutler 1991, Peng 2005, Ko 2006, Ninokata 2006, Li 2008, Nuchpray oon 2008, Natakomol 2013, Li 2015). It should be noted that most individuals rep orted with this variant were identified through screening by enzyme testing of a pparently healthy individuals at the time of the study. This variant has been re ported in ClinVar (Variation ID#10386) as a pathogenic variant. It has been ide ntified in 0.24% (33/13881) of East Asian chromosomes including 14 hemizygotes b y the genome Aggregation Database (gnomAD; db SNP rs137852327). In vitro functional studies provide evidence that the p.Val321 Met variant may impact protein function (Boonyuen 2016 and Gomez-Manzo 2016). In summary, although additional studies are required to fully establish its clinic al significance, this variant is likely pathogenic for G6PD deficiency in an X-l inked manner based upon its occurrence in individuals with this disorder and da ta from functional studies.

Illumina Laboratory Services, Illumina
Classification: Pathogenic for Glucose 6 phosphate dehydrogenase deficiency. Last evaluated: 2017-04-28. Review status: criteria provided, single submitter. Criteria: ICSL Variant Classification Criteria 09 May 2019. Collection method: clinical testing. Allele origin: germline.
Comment: The G6PD c.871G>A (p.Val291Met) variant, also referred to as c.961G>A (p.Val321Met), is well described in the literature as a common variant across several Asian populations and is often referred to as G6PD Viangchan or G6PD Jammu. Control data are not reported in these studies for the p.Val291Met variant, which is reported at a frequency of 0.00785 in the East Asian population of the 1000 Genomes Project. Boonyuen et al. (2016) expressed the p.Val291Met variant in E. coli and reported that the KM for glucose-6-phosphate was similar to that of the wild type protein, though the KM for NADP+ was 5-fold higher than wild type and the kcat showed a 10-fold reduction in catalytic efficiency for NADP+ catalysis. Additionally, the variant showed significantly reduced thermostability as compared to wild type. Based on the collective evidence, the p.Val291Met variant is classified as pathogenic for glucose-6-phosphate dehydrogenase deficiency. This variant was observed by ICSL as part of a predisposition screen in an ostensibly healthy population.

Eurofins Ntd Llc (ga)
Classification: Pathogenic. Last evaluated: 2015-08-05. Review status: criteria provided, single submitter. Criteria: EGL Classification Definitions. Collection method: clinical testing. Allele origin: germline. Observed: 14 variant alleles, 9 heterozygotes, 5 hemizygotes.

Ambry Genetics
Classification: Pathogenic for Inborn genetic diseases. Last evaluated: 2014-09-07. Review status: criteria provided, single submitter. Criteria: Ambry exome assertion method (8-5-2015). Collection method: clinical testing. Allele origin: germline. Affected: yes. Observed: 1 variant allele.

CENTOGENE GmbH and LLC - Guiding Precision Medicine
Classification: Pathogenic for G6PD deficient hemolytic anemia. Review status: criteria provided, single submitter. Criteria: ACMG Guidelines, 2015. Collection method: clinical testing. Allele origin: germline. Affected: yes.

Clinical Genetics Service, Universitary Hospital 12 de Octubre
Classification: Pathogenic for Anemia, nonspherocytic hemolytic, due to G6PD deficiency. Review status: criteria provided, single submitter. Criteria: ACMG Guidelines, 2015. Collection method: clinical testing. Allele origin: germline. Affected: yes.

Juno Genomics, Hangzhou Juno Genomics, Inc
Classification: Likely pathogenic for Anemia, nonspherocytic hemolytic, due to G6PD deficiency; Malaria, susceptibility to. Review status: criteria provided, single submitter. Criteria: ACMG Guidelines, 2015. Collection method: clinical testing. Allele origin: germline. Affected: yes.
Comment: The prevalence of the variant in affected individuals is significantly increased compared to the prevalence in controls.;Patient's phenotype or family history is highly specific for a disease with a single genetic etiology.;Well-established in vitro or in vivo functional studies supportive of a damaging effect on the gene or gene product.

Lifecell International Pvt. Ltd
Classification: Pathogenic for Anemia, nonspherocytic hemolytic, due to G6PD deficiency. Review status: criteria provided, single submitter. Criteria: ACMG Guidelines, 2015. Collection method: clinical testing. Allele origin: germline. Inheritance: X-linked recessive inheritance. Affected: yes. Observed: 1 hemizygote.
Comment: This variant in exon 9 of the G6PD gene results in the amino acid substitution from Valine to Methionine at codon 321 (p.Val321Met) with the sequence change of c.961G>A (NM_000402.4). The reference base is conserved across the species and in-silico predictions by Polyphen and SIFT are damaging. The Missense Variants Z-Score for this variant is 2.60. Missense Variants Z-Score is produced by the Exome Aggregation Consortium (60,706 adult humans) by computing a signed Z score for the deviation of observed counts from the expected number. Positive Z scores indicate increased constraint (intolerance to variation) and therefore that the gene had fewer missense variants than expected. The G6PD c.961G>A; p.Val321Met variant, also referred to as c.871G>A; p.Val291Met, commonly known as G6PD Viangchan, has been described in the literature as a Class II to Class III pathogenic variant and is associated with a moderate to severe decrease in enzyme activity (Hue et al., 2009; PMID: 19589177, Nuchprayoon et al., 2002; PMID: 11793482). This variant is one of the most common variants associated with Glucose-6-phosphate dehydrogenase (G6PD) deficiency in the Asian population (Beutler et al.,1991; PMID: 1805484, Peng et al., 2005; PMID: 25775246, Ko et al., 2006; PMID: 16777444, Ninokata et al., 2006; PMID: 16528451, Li et al., 2008; PMID: 18329300, Nuchprayoon et al., 2008; PMID: 18046504, Nantakomol et al., 2013; PMID: 23965028, Li et al., 2015; PMID: 26226515). Experimental studies have shown that this missense change impairs G6PD enzyme activity in vitro (Gomez-Manzo et al., 2016; PMID: 27213370 and Boonyuen 2016 et al., PMID: 27053284).

Gene Friend Way, National Innovation Center
Classification: Likely pathogenic for Type 2 diabetes mellitus. Last evaluated: 2025-01-01. Review status: no assertion criteria provided. Collection method: clinical testing. Allele origin: unknown. Affected: yes. Observed: 1 variant allele. Not counted in ClinVar's aggregate classification.
Comment: This variant has been classified as pathogenic in Clinvar database and has been previously reported as the most common G6PD deficiency variant in certain East Asian populations (PMID: 16155737, 15906717, 18329300, 33051526). G6PD deficiency is a genetic disorder that poses a significantly higher risk for developing Type 2 diabetes and its complications (PMID: 38834682).

Counsyl
Classification: Pathogenic for Anemia, nonspherocytic hemolytic, due to G6PD deficiency. Last evaluated: 2017-06-15. Review status: no assertion criteria provided. Collection method: clinical testing. Allele origin: unknown. Not counted in ClinVar's aggregate classification.

OMIM
Classification: other for G6PD VIANGCHAN. Last evaluated: 2017-05-24. Review status: no assertion criteria provided. Collection method: literature only. Allele origin: germline. Not counted in ClinVar's aggregate classification.

OMIM
Classification: other for G6PD JAMMU. Last evaluated: 2017-05-24. Review status: no assertion criteria provided. Collection method: literature only. Allele origin: germline. Not counted in ClinVar's aggregate classification.

Literature cited by the submitters: PubMed 15906717 (cited by 3 submitters); PubMed 16155737 (cited by 8 submitters); PubMed 18329300 (cited by 4 submitters); PubMed 3338798 (cited by 6 submitters); PubMed 27213370 (cited by 5 submitters); PubMed 11793482 (cited by 8 submitters); PubMed 38264207 (cited by Department of Otolaryngology Head and Neck Surgery, Hainan Hospital of the Chinese People’s Liberation Army General Hospital); PubMed 7949118 (cited by Rady Children's Institute for Genomic Medicine, Rady Children's Hospital San Diego); PubMed 8808605 (cited by Rady Children's Institute for Genomic Medicine, Rady Children's Hospital San Diego); PubMed 18177777 (cited by Rady Children's Institute for Genomic Medicine, Rady Children's Hospital San Diego); PubMed 27040960 (cited by Rady Children's Institute for Genomic Medicine, Rady Children's Hospital San Diego).